The following is an entry in ClinVar:

ClinVar aggregate classification (germline): Uncertain significance. Review status: criteria provided, multiple submitters, no conflicts (2 of 4 stars). 4 submissions from 4 submitters: Uncertain significance (4). Last evaluated 2024-07-24.

Conditions:
Cardiomyopathy (CMYO). Also called: Cardiomyopathies. Identifiers: Orphanet 167848, MedGen C0878544, MONDO:0004994, HP:0001638. Inheritance: Various modes of inheritance.
Arrhythmogenic right ventricular dysplasia 5. Also called: ARRHYTHMOGENIC RIGHT VENTRICULAR DYSPLASIA, FAMILIAL, 5; Arrhythmogenic Right Ventricular Dysplasia/Cardiomyopathy 5. Identifiers: MedGen C1858379, MONDO:0011459, OMIM 604400.

Submissions (4):

Labcorp Genetics (formerly Invitae), Labcorp
Classification: Uncertain significance for Arrhythmogenic right ventricular dysplasia 5. Last evaluated: 2024-07-24. Review status: criteria provided, single submitter. Criteria: Invitae Variant Classification Sherloc (09022015). Collection method: clinical testing. Allele origin: germline.
Comment: This sequence change replaces methionine, which is neutral and non-polar, with isoleucine, which is neutral and non-polar, at codon 36 of the TMEM43 protein (p.Met36Ile). This variant is not present in population databases (gnomAD no frequency). This variant has not been reported in the literature in individuals affected with TMEM43-related conditions. ClinVar contains an entry for this variant (Variation ID: 927061). Advanced modeling of protein sequence and biophysical properties (such as structural, functional, and spatial information, amino acid conservation, physicochemical variation, residue mobility, and thermodynamic stability) performed at Invitae indicates that this missense variant is not expected to disrupt TMEM43 protein function with a negative predictive value of 80%. In summary, the available evidence is currently insufficient to determine the role of this variant in disease. Therefore, it has been classified as a Variant of Uncertain Significance.

Color Diagnostics, LLC DBA Color Health
Classification: Uncertain significance for Cardiomyopathy. Last evaluated: 2024-03-07. Review status: criteria provided, single submitter. Criteria: ACMG Guidelines, 2015. Collection method: clinical testing. Allele origin: germline.
Comment: This missense variant replaces methionine with isoleucine at codon 36 of the TMEM43 protein. Computational prediction suggests that this variant may not impact protein structure and function (internally defined REVEL score threshold <= 0.5, PMID: 27666373). To our knowledge, functional studies have not been reported for this variant. This variant has not been reported in individuals affected with cardiovascular disorders in the literature. This variant has not been identified in the general population by the Genome Aggregation Database (gnomAD). The available evidence is insufficient to determine the role of this variant in disease conclusively. Therefore, this variant is classified as a Variant of Uncertain Significance.

All of Us Research Program, National Institutes of Health
Classification: Uncertain significance for Arrhythmogenic right ventricular dysplasia 5. Last evaluated: 2023-11-02. Review status: criteria provided, single submitter. Criteria: ACMG Guidelines, 2015. Collection method: clinical testing. Allele origin: germline. Inheritance: Autosomal dominant inheritance. Observed: 1 variant allele, 1 heterozygote.
Comment: This missense variant replaces methionine with isoleucine at codon 36 of the TMEM43 protein. Computational prediction tools and conservation analyses suggest that this variant may not impact the protein function. Computational splicing tools suggest that this variant may not impact RNA splicing. To our knowledge, functional assays have not been performed for this variant nor has this variant been reported in individuals affected with cardiovascular disorders in the literature. This variant has not been identified in the general population by the Genome Aggregation Database (gnomAD). Available evidence is insufficient to determine the role of this variant in disease conclusively. Therefore, this variant is classified as a Variant of Uncertain Significance.

This study involves interpretation of variants in research participants for the purpose of population health screening. Participant phenotype was not available at the time of variant classification. Additional details can be found in publication PMID: 35346344, PMCID: PMC8962531

Clinical Genetics Laboratory, Skane University Hospital Lund
Classification: Uncertain significance. Last evaluated: 2023-09-14. Review status: criteria provided, single submitter. Criteria: ACMG Guidelines, 2015. Collection method: clinical testing. Allele origin: germline. Affected: yes.

NM_024334.3(TMEM43):c.108G>A (p.Met36Ile)

Gene: TMEM43 (transmembrane protein 43; plus strand). Cytogenetic location: 3p25.1.
Variant type: single nucleotide variant.
Coding change: c.108G>A on transcript NM_024334.3 (MANE Select); coding-DNA position 108, G replaced by A.
Protein change: p.Met36Ile; replaces methionine 36 with isoleucine.
Molecular consequence: missense variant.
Genome position (GRCh38, 1-based): chr3:14,129,507, G>A. VCF-style: chr3-14129507-G-A. GRCh37 (hg19) VCF-style: chr3-14171007-G-A.
Other names: short protein forms M36I.
Identifiers: ClinVar variation 927061 (VCV000927061.9), dbSNP rs1695064905, ClinGen allele CA351534349.